The following is an entry in ClinVar:

NM_000059.4(BRCA2):c.3676A>C (p.Lys1226Gln)

Gene: BRCA2 (BRCA2 DNA repair associated; plus strand). Cytogenetic location: 13q13.1.
Variant type: single nucleotide variant.
Coding change: c.3676A>C on transcript NM_000059.4 (MANE Select); coding-DNA position 3676, A replaced by C.
Protein change: p.Lys1226Gln; replaces lysine 1226 with glutamine.
Molecular consequence: missense variant.
Genome position (GRCh38, 1-based): chr13:32,338,031, A>C. VCF-style: chr13-32338031-A-C. GRCh37 (hg19) VCF-style: chr13-32912168-A-C.
Other names: p.K1226Q:AAA>CAA; short protein forms K1226Q.
Identifiers: ClinVar variation 182202 (VCV000182202.13), dbSNP rs730881525, ClinGen allele CA018533.

ClinVar aggregate classification (germline): Conflicting classifications of pathogenicity. Review status: criteria provided, conflicting classifications (1 of 4 stars). 6 submissions from 6 submitters: Uncertain significance (5); Likely benign (1). Last evaluated 2025-08-31.

Conditions:
BRCA2-related cancer predisposition. Identifiers: MedGen CN377758, MONDO:0700269.
Hereditary cancer-predisposing syndrome. Also called: Tumor predisposition; Hereditary Cancer Syndrome; Hereditary neoplastic syndrome; Neoplastic Syndromes, Hereditary. Identifiers: Orphanet 140162, MedGen C0027672, MeSH D009386, MONDO:0015356.
Hereditary breast ovarian cancer syndrome. Also called: Breast and ovarian cancer; Hereditary breast and ovarian cancer; Hereditary breast and/or ovarian cancer syndrome; BRCA1- and BRCA2-Associated Hereditary Breast and Ovarian Cancer; Hereditary breast and ovarian cancer syndrome (HBOC); Hereditary breast and ovarian cancer syndrome. Identifiers: Orphanet 145, MedGen C0677776, MeSH D061325, MONDO:0003582. Disease mechanism: loss of function.

Submissions (6):

Labcorp Genetics (formerly Invitae), Labcorp
Classification: Uncertain significance for Hereditary breast ovarian cancer syndrome. Last evaluated: 2025-08-31. Review status: criteria provided, single submitter. Criteria: Invitae Variant Classification Sherloc (09022015). Collection method: clinical testing. Allele origin: germline.
Comment: This sequence change replaces lysine, which is basic and polar, with glutamine, which is neutral and polar, at codon 1226 of the BRCA2 protein (p.Lys1226Gln). This variant is not present in population databases (gnomAD no frequency). This missense change has been observed in individual(s) with BRCA2-related conditions (PMID: 35402282). ClinVar contains an entry for this variant (Variation ID: 182202). Invitae Evidence Modeling of protein sequence and biophysical properties (such as structural, functional, and spatial information, amino acid conservation, physicochemical variation, residue mobility, and thermodynamic stability) indicates that this missense variant is not expected to disrupt BRCA2 protein function with a negative predictive value of 95%. In summary, the available evidence is currently insufficient to determine the role of this variant in disease. Therefore, it has been classified as a Variant of Uncertain Significance.

All of Us Research Program, National Institutes of Health
Classification: Uncertain significance for BRCA2-related cancer predisposition. Last evaluated: 2024-02-22. Review status: criteria provided, single submitter. Criteria: ACMG Guidelines, 2015. Collection method: clinical testing. Allele origin: germline. Inheritance: Autosomal dominant inheritance. Observed: 1 variant allele, 1 heterozygote.
Comment: This missense variant replaces lysine with glutamine at codon 1226 of the BRCA2 protein. Computational prediction is inconclusive regarding the impact of this variant on protein structure and function. To our knowledge, functional studies have not been reported for this variant. This variant has been reported in two individuals affected with breast cancer (PMID: 35402282). This variant has not been identified in the general population by the Genome Aggregation Database (gnomAD). The available evidence is insufficient to determine the role of this variant in disease conclusively. Therefore, this variant is classified as a Variant of Uncertain Significance.

This study involves interpretation of variants in research participants for the purpose of population health screening. Participant phenotype was not available at the time of variant classification. Additional details can be found in publication PMID: 35346344, PMCID: PMC8962531

Ambry Genetics
Classification: Uncertain significance for Hereditary cancer-predisposing syndrome. Last evaluated: 2023-07-13. Review status: criteria provided, single submitter. Criteria: Ambry Variant Classification Scheme 2023. Collection method: clinical testing. Allele origin: germline.
Comment: The p.K1226Q variant (also known as c.3676A>C), located in coding exon 10 of the BRCA2 gene, results from an A to C substitution at nucleotide position 3676. The lysine at codon 1226 is replaced by glutamine, an amino acid with similar properties. This alteration was detected in 2/1197 patients with breast cancer who underwent genetic testing (Abdel-Razeq H et al. Front Oncol, 2022 Mar;12:673094). This amino acid position is well conserved in available vertebrate species. In addition, the in silico prediction for this alteration is inconclusive. Since supporting evidence is limited at this time, the clinical significance of this alteration remains unclear.

University of Washington Department of Laboratory Medicine, University of Washington
Classification: Likely benign for Hereditary cancer-predisposing syndrome. Last evaluated: 2023-03-23. Review status: criteria provided, single submitter. Criteria: Dines et al. (Genet Med. 2020). Collection method: curation. Allele origin: germline.
Comment: Missense variant in a coldspot region where missense variants are very unlikely to be pathogenic (PMID:31911673).

BRCA2 exon 11 coldspot. Reclassification based on statistical prior probability.

Women's Health and Genetics/Laboratory Corporation of America, LabCorp
Classification: Uncertain significance. Last evaluated: 2018-05-21. Review status: criteria provided, single submitter. Criteria: LabCorp Variant Classification Summary - May 2015. Collection method: clinical testing. Allele origin: germline.
Comment: Variant summary: BRCA2 c.3676A>C (p.Lys1226Gln) results in a conservative amino acid change located in the BRCA2 repeat of the encoded protein sequence. Five of five in-silico tools predict a benign effect of the variant on protein function. The variant was absent in 120562 control chromosomes. The available data on variant occurrences in the general population are insufficient to allow any conclusion about variant significance. To our knowledge, no occurrence of c.3676A>C in individuals affected with Hereditary Breast and Ovarian Cancer and no experimental evidence demonstrating its impact on protein function have been reported. One clinical diagnostic laboratory has submitted clinical-significance assessments for this variant to ClinVar in 2014 as a VUS. No clinical diagnostic laboratories have submitted clinical-significance assessments for this variant to ClinVar after 2014. Based on the evidence outlined above, the variant was classified as uncertain significance.

GeneDx
Classification: Uncertain significance. Last evaluated: 2014-01-21. Review status: criteria provided, single submitter. Criteria: GeneDx Variant Classification (06012015). Collection method: clinical testing. Allele origin: germline. Affected: yes.
Comment: This variant is denoted BRCA2 c.3676A>C at the cDNA level, p.Lys1226Gln (K1226Q) at the protein level, and results in the change of a Lysine to a Glutamine (AAA>CAA). This variant has not, to our knowledge, been published in the literature as pathogenic or benign. BRCA2 Lys1226Gln was not observed in approximately 6,500 individuals of European and African American ancestry in the NHLBI Exome Sequencing Project, indicating it is not a common benign variant in these populations. This variant is a semi-conservative substitution in which a positive polar amino acid is replaced with a neutral polar one, altering a position that is moderately conserved throughout evolution and is located in the BRC2 repeat region involved in RAD51 binding (Roy 2012, UniProt). In silico analyses are inconsistent with regard to the effect this variant may have on protein structure and function. Based on the currently available information, we consider BRCA2 Lys1226Gln to be a variant of uncertain significance.

Literature cited by the submitters: PubMed 35402282 (cited by 3 submitters).